The following is an entry in ClinVar:

NM_003280.3(TNNC1):c.82G>A (p.Val28Met)

Gene: TNNC1 (troponin C1, slow skeletal and cardiac type; minus strand). Cytogenetic location: 3p21.1.
Variant type: single nucleotide variant.
Coding change: c.82G>A on transcript NM_003280.3 (MANE Select); coding-DNA position 82, G replaced by A.
Protein change: p.Val28Met; replaces valine 28 with methionine.
Molecular consequence: missense variant.
Genome position (GRCh38, 1-based): chr3:52,452,226, C>T on the plus strand (G>A on the coding strand, the complement: TNNC1 is on the minus strand). VCF-style: chr3-52452226-C-T. GRCh37 (hg19) VCF-style: chr3-52486242-C-T.
Other names: short protein forms V28M.
Identifiers: ClinVar variation 4824250 (VCV004824250.1).

ClinVar aggregate classification (germline): Uncertain significance (1 of 4 stars; one submission).

Conditions:
Cardiovascular phenotype. Identifiers: MedGen CN230736.

Submission:

Ambry Genetics
Classification: Uncertain significance for Cardiovascular phenotype. Last evaluated: 2026-02-13. Review status: criteria provided, single submitter. Criteria: Ambry Variant Classification Scheme 2023. Collection method: clinical testing. Allele origin: germline.
Comment: The p.V28M variant (also known as c.82G>A), located in coding exon 3 of the TNNC1 gene, results from a G to A substitution at nucleotide position 82. The valine at codon 28 is replaced by methionine, an amino acid with highly similar properties. This amino acid position is conserved. In addition, the in silico prediction for this alteration is inconclusive. Based on the available evidence, the clinical significance of this variant remains unclear.